The following is an entry in ClinVar:

ClinVar aggregate classification (germline): Uncertain significance (1 of 4 stars; one submission).

Submission:

Ambry Genetics
Classification: Uncertain significance. Last evaluated: 2022-01-30. Review status: criteria provided, single submitter. Criteria: Ambry Variant Classification Scheme 2023. Collection method: clinical testing. Allele origin: germline.
Comment: The p.P64R variant (also known as c.191C>G), located in coding exon 1 of the EGLN2 gene, results from a C to G substitution at nucleotide position 191. The proline at codon 64 is replaced by arginine, an amino acid with dissimilar properties. This amino acid position is conserved. In addition, this alteration is predicted to be tolerated by in silico analysis. Since supporting evidence is limited at this time, the clinical significance of this alteration remains unclear.

NM_080732.4(EGLN2):c.191C>G (p.Pro64Arg)

Genes: EGLN2 (egl-9 family hypoxia inducible factor 2; plus strand), RAB4B-EGLN2 (RAB4B-EGLN2 readthrough (NMD candidate); plus strand). Cytogenetic location: 19q13.2.
Variant type: single nucleotide variant.
Coding change: c.191C>G on transcript NM_080732.4 (MANE Select); coding-DNA position 191, C replaced by G.
Protein change: p.Pro64Arg; replaces proline 64 with arginine.
Molecular consequence: missense variant. On other transcripts: non-coding transcript variant (1).
Genome position (GRCh38, 1-based): chr19:40,800,763, C>G. VCF-style: chr19-40800763-C-G. GRCh37 (hg19) VCF-style: chr19-41306668-C-G.
Other names: c.191C>G, p.Pro64Arg (NM_053046.4); short protein forms P64R.
Identifiers: ClinVar variation 1782633 (VCV001782633.2), dbSNP rs2515993090, ClinGen allele CA405954745.
Genomic context (GRCh38, chr19:40,800,763, plus strand): 5'-TGCTCCCCTCCTACCACTGTCCAGGAGTGCCTAGTGAGGCCTCGGCAGGGAGTGGGACCC[C>G]CAGAGCCACAGCCACCTCTACCACTGCCAGCCCTCTTCGGGACGGTTTTGGCGGGCAGGA-3'
Protein context (NP_542770.2, residues 54-74): PSEASAGSGT[Pro64Arg]RATATSTTAS